The following is an entry in ClinVar:

ClinVar aggregate classification (germline): Pathogenic. Review status: criteria provided, multiple submitters, no conflicts (2 of 4 stars). 2 submissions from 2 submitters: Pathogenic (2). Last evaluated 2022-12-06.

Conditions:
Telangiectasia, hereditary hemorrhagic, type 2 (HHT2). Also called: Telangiectasia, hereditary hemorrhagic, type II; ACVRL1-Related Hereditary Hemorrhagic Telangiectasia. Identifiers: Orphanet 774, MedGen C1838163, MONDO:0010880, OMIM 600376. Disease mechanism: loss of function.

Submissions (2):

Labcorp Genetics (formerly Invitae), Labcorp
Classification: Pathogenic for Telangiectasia, hereditary hemorrhagic, type 2. Last evaluated: 2022-12-06. Review status: criteria provided, single submitter. Criteria: Invitae Variant Classification Sherloc (09022015). Collection method: clinical testing. Allele origin: germline.
Comment: For these reasons, this variant has been classified as Pathogenic. ClinVar contains an entry for this variant (Variation ID: 1330572). This premature translational stop signal has been observed in individual(s) with hereditary hemorrhagic telangiectasia (PMID: 15517393). This variant is not present in population databases (gnomAD no frequency). This sequence change creates a premature translational stop signal (p.Gln321*) in the ACVRL1 gene. It is expected to result in an absent or disrupted protein product. Loss-of-function variants in ACVRL1 are known to be pathogenic (PMID: 15879500).

ARUP Laboratories, Molecular Genetics and Genomics, ARUP Laboratories
Classification: Pathogenic for Telangiectasia, hereditary hemorrhagic, type 2. Last evaluated: 2021-08-13. Review status: criteria provided, single submitter. Criteria: ARUP Molecular Germline Variant Investigation Process 2021. Collection method: clinical testing. Allele origin: germline.
Comment: This variant is absent from general population databases (1000 Genomes Project, Exome Variant Server, and Genome Aggregation Database), indicating it is not a common polymorphism. This variant introduces a premature termination codon in exon 7 of 10 and is predicted to result in a truncated or absent protein product. Based on the available information this variant is considered pathogenic. References: Letteboer et al., Hereditary hemorrhagic telangiectasia: ENG and ALK-1 mutations in Dutch patients. Hum Genet. 2005 Jan;116(1-2):8-16. PMID 15517393

Literature cited by the submitters: PubMed 15517393 (cited by Labcorp Genetics (formerly Invitae), Labcorp); PubMed 15879500 (cited by Labcorp Genetics (formerly Invitae), Labcorp).

NM_000020.3(ACVRL1):c.961C>T (p.Gln321Ter)

Gene: ACVRL1 (activin A receptor like type 1; plus strand). Cytogenetic location: 12q13.13.
Variant type: single nucleotide variant.
Coding change: c.961C>T on transcript NM_000020.3 (MANE Select); coding-DNA position 961, C replaced by T.
Protein change: p.Gln321Ter; replaces glutamine 321 with a stop codon.
Molecular consequence: nonsense.
Genome position (GRCh38, 1-based): chr12:51,915,413, C>T. VCF-style: chr12-51915413-C-T. GRCh37 (hg19) VCF-style: chr12-52309197-C-T.
Other names: c.961C>T, p.Gln321Ter (NM_001077401.2); short protein forms Q321*.
Identifiers: ClinVar variation 1330572 (VCV001330572.14), dbSNP rs2139073732, ClinGen allele CA384901324.
Genomic context (GRCh38, chr12:51,915,413, plus strand): 5'-AGGCTAGCTGTGTCCGCGGCATGCGGCCTGGCGCACCTGCACGTGGAGATCTTCGGTACA[C>T]AGGGCAAACCAGCCATTGCCCACCGCGACTTCAAGAGCCGCAATGTGCTGGTCAAGAGCA-3'